The following is an entry in ClinVar:

ClinVar aggregate classification (germline): Uncertain significance (1 of 4 stars; one submission).

Conditions:
Neurodevelopmental disorder. Identifiers: MedGen C1535926, MeSH D065886, MONDO:0700092.

Allele frequency attached by ClinVar (database versions not stated): gnomAD exomes below 0.00001.
gnomAD v4.1: 2 of 1,613,876 alleles (0.00012%); highest among the groups gnomAD compares: Non-Finnish European, 0.000085%; no homozygotes.

Submission:

Victorian Clinical Genetics Services, Murdoch Childrens Research Institute
Classification: Uncertain significance for Neurodevelopmental disorder. Last evaluated: 2021-05-06. Review status: criteria provided, single submitter. Criteria: ACMG Guidelines, 2015. Collection method: clinical testing. Allele origin: germline. Inheritance: Autosomal recessive inheritance.
Comment: Based on the classification scheme VCGS_Germline_v1.3.4, this variant is classified as VUS-3B. Following criteria are met: 0103 - Loss of function and gain of function are known mechanisms of disease in this gene and are associated with dystonia. NMD-predicted variants have been reported in association with juvenile-onset progressive generalised dystonia with intellectual disability and cerebellar atrophy, while a gain of function missense variant was described in association with isolated adult-onset focal dystonia (PMID: 33539324). (I) 0106 - This gene is associated with autosomal recessive disease (PMID: 33539324). (I) 0200 - Variant is predicted to result in a missense amino acid change from glycine to cysteine. (I) 0251 - This variant is heterozygous. (I) 0301 - Variant is absent from gnomAD (both v2 and v3). (SP) 0502 - Missense variant with conflicting in silico predictions and uninformative conservation. (I) 0604 - Variant is not located in an established domain, motif, hotspot or informative constraint region. (I) 0705 - No comparable missense variants have previous evidence for pathogenicity. (I) 0807 - This variant has no previous evidence of pathogenicity. (I) 0905 - No published segregation evidence has been identified for this variant. (I) 1007 - No published functional evidence has been identified for this variant. (I) 1208 - Inheritance information for this variant is not currently available in this individual. (I) Legend: (SP) - Supporting pathogenic, (I) - Information, (SB) - Supporting benign

Literature cited by the submitters: PubMed 33539324.

NM_004758.4(TSPOAP1):c.1942G>T (p.Gly648Cys)

Gene: TSPOAP1 (TSPO associated protein 1; minus strand). Cytogenetic location: 17q22.
Variant type: single nucleotide variant.
Coding change: c.1942G>T on transcript NM_004758.4 (MANE Select); coding-DNA position 1942, G replaced by T.
Protein change: p.Gly648Cys; replaces glycine 648 with cysteine.
Molecular consequence: missense variant.
Genome position (GRCh38, 1-based): chr17:58,316,471, C>A on the plus strand (G>T on the coding strand, the complement: TSPOAP1 is on the minus strand). VCF-style: chr17-58316471-C-A. GRCh37 (hg19) VCF-style: chr17-56393832-C-A.
Other names: c.1942G>T, p.Gly648Cys (NM_001261835.2); c.1762G>T, p.Gly588Cys (NM_024418.3); short protein forms G588C, G648C.
Identifiers: ClinVar variation 1699366 (VCV001699366.3), dbSNP rs2143077017, ClinGen allele CA400372280.
Genomic context (GRCh38, chr17:58,316,471, plus strand): 5'-GGTGAGGGACCCACCTATAACGTGCTAGGAAGACCTGGATCCTGGCTCCTCCCCGGCTGC[C>A]CTCTGGCGCAGCTGGGAGCAGGGAGACACTGTCTGCCTCCAGCTCCTCTACCTCACTGGC-3'
Protein context (NP_004749.2, residues 638-658): SVSLLPAAPE[Gly648Cys]SRGGARIQVF